The following is an entry in ClinVar:

NM_080860.4(RSPH1):c.693G>A (p.Thr231=)

Gene: RSPH1 (radial spoke head component 1; minus strand). Cytogenetic location: 21q22.3.
Variant type: single nucleotide variant.
Coding change: c.693G>A on transcript NM_080860.4 (MANE Select); coding-DNA position 693, G replaced by A.
Protein change: p.Thr231=; no amino-acid change (threonine 231 retained).
Molecular consequence: synonymous variant.
Genome position (GRCh38, 1-based): chr21:42,477,325, C>T on the plus strand (G>A on the coding strand, the complement: RSPH1 is on the minus strand). VCF-style: chr21-42477325-C-T. GRCh37 (hg19) VCF-style: chr21-43897435-C-T.
Other names: c.579G>A, p.Thr193= (NM_001286506.2).
Identifiers: ClinVar variation 525234 (VCV000525234.11), dbSNP rs372338741, ClinGen allele CA10043830.

ClinVar aggregate classification (germline): Likely benign. Review status: criteria provided, single submitter (1 of 4 stars). 2 submissions from 2 submitters: Likely benign (1). 1 of the submissions does not count toward it. Last evaluated 2026-01-11.

Conditions:
Primary ciliary dyskinesia. Also called: Ciliary dyskinesia. Identifiers: Orphanet 244, MedGen C0008780, MONDO:0016575, HP:0012265.
RSPH1-related disorder. Also called: RSPH1-related condition.

Allele frequency attached by ClinVar (database versions not stated): ExAC 0.00002; gnomAD exomes 0.00003; gnomAD 0.00004 and 0.00005; TOPMed 0.00007; ESP Exome Variant Server 0.00008.
gnomAD v4.1: 96 of 1,614,172 alleles (0.0059%); highest among the groups gnomAD compares: Middle Eastern, 0.033%; no homozygotes.

Submissions (2):

Labcorp Genetics (formerly Invitae), Labcorp
Classification: Likely benign for Primary ciliary dyskinesia. Last evaluated: 2026-01-11. Review status: criteria provided, single submitter. Criteria: Invitae Variant Classification Sherloc (09022015). Collection method: clinical testing. Allele origin: germline.

PreventionGenetics, part of Exact Sciences
Classification: Likely benign for RSPH1-related condition. Last evaluated: 2019-02-20. Review status: no assertion criteria provided. Collection method: clinical testing. Allele origin: germline. Not counted in ClinVar's aggregate classification.
Comment: This variant is classified as likely benign based on ACMG/AMP sequence variant interpretation guidelines (Richards et al. 2015 PMID: 25741868, with internal and published modifications).